The following is an entry in ClinVar:

NM_001110556.2(FLNA):c.5026A>T (p.Thr1676Ser)

Gene: FLNA (filamin A; minus strand). Cytogenetic location: Xq28.
Variant type: single nucleotide variant.
Coding change: c.5026A>T on transcript NM_001110556.2 (MANE Select); coding-DNA position 5026, A replaced by T.
Protein change: p.Thr1676Ser; replaces threonine 1676 with serine.
Molecular consequence: missense variant.
Genome position (GRCh38, 1-based): chrX:154,355,016, T>A on the plus strand (A>T on the coding strand, the complement: FLNA is on the minus strand). VCF-style: chrX-154355016-T-A. GRCh37 (hg19) VCF-style: chrX-153583384-T-A.
Other names: c.5002A>T, p.Thr1668Ser (NM_001456.4); short protein forms T1668S, T1676S.
Identifiers: ClinVar variation 3753982 (VCV003753982.2).

ClinVar aggregate classification (germline): Uncertain significance (1 of 4 stars; one submission).

Conditions:
Melnick-Needles syndrome (MNS). Also called: MELNICK-NEEDLES OSTEODYSPLASTY; OSTEODYSPLASTY OF MELNICK AND NEEDLES; Melnick-Needles Syndrome (FLNA-MNS). Identifiers: Orphanet 2484, MedGen C0025237, MONDO:0010650, OMIM 309350.
Frontometaphyseal dysplasia (FMD1). Identifiers: Orphanet 1826, MedGen C0265293, MONDO:0015942.
Heterotopia, periventricular, X-linked dominant (PVNH1). Also called: PERIVENTRICULAR NODULAR HETEROTOPIA 1; X-linked periventricular heterotopia; PERIVENTRICULAR NODULAR HETEROTOPIA 4; HETEROTOPIA, PERIVENTRICULAR, 1. Identifiers: Orphanet 2149, Orphanet 82004, MedGen C1848213, MONDO:0010233, OMIM 300049.
Oto-palato-digital syndrome, type II (OPD2). Also called: FACIOPALATOOSSEOUS SYNDROME; OPD II SYNDROME; Otopalatodigital Syndrome, Type II; Otopalatodigital Syndrome Type 2 (FLNA-OPD2). Identifiers: Orphanet 669, Orphanet 90652, MedGen C1844696, MONDO:0010571, OMIM 304120.

Submission:

Labcorp Genetics (formerly Invitae), Labcorp
Classification: Uncertain significance for Oto-palato-digital syndrome, type II; Heterotopia, periventricular, X-linked dominant; Frontometaphyseal dysplasia; Melnick-Needles syndrome. Last evaluated: 2024-04-17. Review status: criteria provided, single submitter. Criteria: Invitae Variant Classification Sherloc (09022015). Collection method: clinical testing. Allele origin: germline.
Comment: This sequence change replaces threonine, which is neutral and polar, with serine, which is neutral and polar, at codon 1668 of the FLNA protein (p.Thr1668Ser). This variant is not present in population databases (gnomAD no frequency). This variant has not been reported in the literature in individuals affected with FLNA-related conditions. Advanced modeling of protein sequence and biophysical properties (such as structural, functional, and spatial information, amino acid conservation, physicochemical variation, residue mobility, and thermodynamic stability) performed at Invitae indicates that this missense variant is not expected to disrupt FLNA protein function with a negative predictive value of 95%. In summary, the available evidence is currently insufficient to determine the role of this variant in disease. Therefore, it has been classified as a Variant of Uncertain Significance.